The following is an entry in ClinVar:

NM_016203.4(PRKAG2):c.471C>A (p.Ser157=)

Gene: PRKAG2 (protein kinase AMP-activated non-catalytic subunit gamma 2; minus strand). Cytogenetic location: 7q36.1.
Variant type: single nucleotide variant.
Coding change: c.471C>A on transcript NM_016203.4 (MANE Select); coding-DNA position 471, C replaced by A.
Protein change: p.Ser157=; no amino-acid change (serine 157 retained).
Molecular consequence: synonymous variant.
Genome position (GRCh38, 1-based): chr7:151,675,633, G>T on the plus strand (C>A on the coding strand, the complement: PRKAG2 is on the minus strand). VCF-style: chr7-151675633-G-T. GRCh37 (hg19) VCF-style: chr7-151372719-G-T.
Other names: c.339C>A, p.Ser113= (NM_001040633.2); c.99C>A, p.Ser33= (NM_001304527.2, NM_001363698.2).
Identifiers: ClinVar variation 923062 (VCV000923062.13), dbSNP rs141804012, ClinGen allele CA057337.

ClinVar aggregate classification (germline): Likely benign. Review status: criteria provided, multiple submitters, no conflicts (2 of 4 stars). 5 submissions from 5 submitters: Likely benign (5). Last evaluated 2026-01-23.

Conditions:
Cardiomyopathy (CMYO). Also called: Cardiomyopathies. Identifiers: Orphanet 167848, MedGen C0878544, MONDO:0004994, HP:0001638. Inheritance: Various modes of inheritance.
Cardiovascular phenotype. Identifiers: MedGen CN230736.
Lethal congenital glycogen storage disease of heart. Also called: GLYCOGEN STORAGE DISEASE OF HEART; PHOSPHORYLASE KINASE DEFICIENCY OF HEART. Identifiers: Orphanet 439854, MedGen C1849813, MONDO:0009867, OMIM 261740.
Hypertrophic cardiomyopathy. Also called: HYPERTROPHIC MYOCARDIOPATHY. Identifiers: Orphanet 217569, MedGen C0007194, MeSH D002312, MONDO:0005045, HP:0001639.

gnomAD v4.1: 67 of 1,612,482 alleles (0.0042%); highest among the groups gnomAD compares: Non-Finnish European, 0.0052%; no homozygotes.

Submissions (5):

Labcorp Genetics (formerly Invitae), Labcorp
Classification: Likely benign for Lethal congenital glycogen storage disease of heart. Last evaluated: 2026-01-23. Review status: criteria provided, single submitter. Criteria: Invitae Variant Classification Sherloc (09022015). Collection method: clinical testing. Allele origin: germline.

Ambry Genetics
Classification: Likely benign for Cardiovascular phenotype. Last evaluated: 2024-04-13. Review status: criteria provided, single submitter. Criteria: Ambry Variant Classification Scheme 2023. Collection method: clinical testing. Allele origin: germline.

All of Us Research Program, National Institutes of Health
Classification: Likely benign for Hypertrophic cardiomyopathy. Last evaluated: 2023-11-30. Review status: criteria provided, single submitter. Criteria: ACMG Guidelines, 2015. Collection method: clinical testing. Allele origin: germline. Inheritance: Autosomal dominant inheritance. Observed: 4 variant alleles, 4 heterozygotes.
Comment: This study involves interpretation of variants in research participants for the purpose of population health screening. Participant phenotype was not available at the time of variant classification. Additional details can be found in publication PMID: 35346344, PMCID: PMC8962531

CHEO Genetics Diagnostic Laboratory, Children's Hospital of Eastern Ontario
Classification: Likely benign for Cardiomyopathy. Last evaluated: 2020-06-16. Review status: criteria provided, single submitter. Criteria: ACMG Guidelines, 2015. Collection method: clinical testing. Allele origin: germline.

Color Diagnostics, LLC DBA Color Health
Classification: Likely benign for Cardiomyopathy. Last evaluated: 2019-06-26. Review status: criteria provided, single submitter. Criteria: ACMG Guidelines, 2015. Collection method: clinical testing. Allele origin: germline.